The following is an entry in ClinVar:

ClinVar aggregate classification (germline): Uncertain significance (1 of 4 stars; one submission).

gnomAD v4.1: 25 of 1,614,094 alleles (0.0015%); highest among the groups gnomAD compares: Admixed American, 0.012%; 1 homozygote.

Submission:

Labcorp Genetics (formerly Invitae), Labcorp
Classification: Uncertain significance. Last evaluated: 2024-05-08. Review status: criteria provided, single submitter. Criteria: Invitae Variant Classification Sherloc (09022015). Collection method: clinical testing. Allele origin: germline.
Comment: This sequence change replaces proline, which is neutral and non-polar, with leucine, which is neutral and non-polar, at codon 1461 of the ASXL1 protein (p.Pro1461Leu). This variant is present in population databases (rs765236014, gnomAD 0.01%), including at least one homozygous and/or hemizygous individual. This variant has not been reported in the literature in individuals affected with ASXL1-related conditions. An algorithm developed to predict the effect of missense changes on protein structure and function (PolyPhen-2) suggests that this variant is likely to be tolerated. In summary, the available evidence is currently insufficient to determine the role of this variant in disease. Therefore, it has been classified as a Variant of Uncertain Significance.

NM_015338.6(ASXL1):c.4382C>T (p.Pro1461Leu)

Gene: ASXL1 (ASXL transcriptional regulator 1; plus strand). Cytogenetic location: 20q11.21.
Variant type: single nucleotide variant.
Coding change: c.4382C>T on transcript NM_015338.6 (MANE Select); coding-DNA position 4382, C replaced by T.
Protein change: p.Pro1461Leu; replaces proline 1461 with leucine.
Molecular consequence: missense variant.
Genome position (GRCh38, 1-based): chr20:32,437,094, C>T. VCF-style: chr20-32437094-C-T. GRCh37 (hg19) VCF-style: chr20-31024897-C-T.
Other names: c.4199C>T, p.Pro1400Leu (NM_001363734.1); short protein forms P1400L, P1461L.
Identifiers: ClinVar variation 3607124 (VCV003607124.2).